The following is an entry in ClinVar:

ClinVar aggregate classification (germline): Uncertain significance. Review status: criteria provided, multiple submitters, no conflicts (2 of 4 stars). 4 submissions from 4 submitters: Uncertain significance (4). Last evaluated 2026-01-23.

Conditions:
Spermatogenic failure 28. Identifiers: MedGen C4748117, MONDO:0054732, OMIM 618086.
Premature ovarian failure 15. Identifiers: MedGen C4748170, MONDO:0054862, OMIM 618096.
Fanconi anemia (FA). Also called: Fanconi's anemia. Identifiers: Orphanet 84, MedGen C0015625, MeSH D005199, MONDO:0019391.

Allele frequency attached by ClinVar (database versions not stated): ExAC 0.00001; gnomAD exomes 0.00003; gnomAD 0.00004; TOPMed 0.00006; 1000 Genomes Project 0.00020; 1000 Genomes Project 30x 0.00031.
gnomAD v4.1: 100 of 1,518,780 alleles (0.0066%); highest among the groups gnomAD compares: Admixed American, 0.012%; no homozygotes.

Submissions (4):

Labcorp Genetics (formerly Invitae), Labcorp
Classification: Uncertain significance for Fanconi anemia. Last evaluated: 2026-01-23. Review status: criteria provided, single submitter. Criteria: Invitae Variant Classification Sherloc (09022015). Collection method: clinical testing. Allele origin: germline.
Comment: This sequence change falls in intron 14 of the FANCM gene. It does not directly change the encoded amino acid sequence of the FANCM protein. It affects a nucleotide within the consensus splice site. This variant is present in population databases (rs201544504, gnomAD 0.006%). This variant has not been reported in the literature in individuals affected with FANCM-related conditions. ClinVar contains an entry for this variant (Variation ID: 456268). Variants that disrupt the consensus splice site are a relatively common cause of aberrant splicing (PMID: 17576681, 9536098). Algorithms developed to predict the effect of sequence changes on RNA splicing suggest that this variant may disrupt the consensus splice site. In summary, the available evidence is currently insufficient to determine the role of this variant in disease. Therefore, it has been classified as a Variant of Uncertain Significance.

Quest Diagnostics Nichols Institute San Juan Capistrano
Classification: Uncertain significance. Last evaluated: 2025-08-21. Review status: criteria provided, single submitter. Criteria: Quest Diagnostics criteria. Collection method: clinical testing. Allele origin: unknown.
Comment: The FANCM c.4222+5G>A variant has been reported in the published literature in individuals and families affected with breast and/or ovarian cancer (PMIDs: 35534704 (2022), 38874686 (2024)). In one study, no aberrant splicing was observed in patient RNA (PMID: 32235514 (2020)). The frequency of this variant in the general population (Genome Aggregation Database) is uninformative in the assessment of its pathogenicity. Analysis of this variant using software algorithms for the prediction of the effect of nucleotide changes on FANCM mRNA splicing yielded inconclusive findings. Based on the available information, we are unable to determine the clinical significance of this variant.

GeneDx
Classification: Uncertain significance. Last evaluated: 2025-03-17. Review status: criteria provided, single submitter. Criteria: GeneDx Variant Classification Process June 2021. Collection method: clinical testing. Allele origin: germline. Affected: yes.
Comment: Observed in an individual with cancer suspected to have a hereditary cancer syndrome (PMID: 32235514); Not observed at significant frequency in large population cohorts (gnomAD); In silico analysis indicates that this variant does not alter splicing; This variant is associated with the following publications: (PMID: 35534704, 32235514)

Fulgent Genetics
Classification: Uncertain significance for Spermatogenic failure 28; Premature ovarian failure 15. Last evaluated: 2021-10-04. Review status: criteria provided, single submitter. Criteria: ACMG Guidelines, 2015. Collection method: clinical testing. Allele origin: unknown.

Literature cited by the submitters: PubMed 17576681 (cited by Labcorp Genetics (formerly Invitae), Labcorp); PubMed 9536098 (cited by Labcorp Genetics (formerly Invitae), Labcorp); PubMed 35534704 (cited by Quest Diagnostics Nichols Institute San Juan Capistrano); PubMed 32235514 (cited by Quest Diagnostics Nichols Institute San Juan Capistrano); PubMed 38874686 (cited by Quest Diagnostics Nichols Institute San Juan Capistrano).

NM_020937.4(FANCM):c.4222+5G>A

Gene: FANCM (FA complementation group M; plus strand). Cytogenetic location: 14q21.2.
Variant type: single nucleotide variant.
Coding change: c.4222+5G>A on transcript NM_020937.4 (MANE Select); 5 bases into the intron after coding-DNA position 4222, G replaced by A.
Molecular consequence: intron variant.
Genome position (GRCh38, 1-based): chr14:45,176,981, G>A. VCF-style: chr14-45176981-G-A. GRCh37 (hg19) VCF-style: chr14-45646184-G-A.
Other names: c.4222+5G>A (LRG_502t1, NM_020937.3); c.4144+5G>A (NM_001308133.2).
Identifiers: ClinVar variation 456268 (VCV000456268.18), dbSNP rs201544504, ClinGen allele CA7169640.
Genomic context (GRCh38, chr14:45,176,981, plus strand): 5'-AAAGTCTAAAAGCAGTGGTCCAATGTATCTGCATAAATCCTGTCATTCTGTTGAAGGTAA[G>A]ATTCCATCTTTATAAAGTCTATAACTCTTTCTAGAATAATTACTCTAGAAATACTTTGGT-3'